The following is an entry in ClinVar:

ClinVar aggregate classification (germline): Uncertain significance (1 of 4 stars; one submission).

Allele frequency attached by ClinVar (database versions not stated): gnomAD exomes below 0.00001.
gnomAD v4.1: 3 of 1,614,004 alleles (0.00019%); highest among the groups gnomAD compares: Non-Finnish European, 0.00017%; no homozygotes.

Submission:

Labcorp Genetics (formerly Invitae), Labcorp
Classification: Uncertain significance. Last evaluated: 2022-08-09. Review status: criteria provided, single submitter. Criteria: Invitae Variant Classification Sherloc (09022015). Collection method: clinical testing. Allele origin: germline.
Comment: In summary, the available evidence is currently insufficient to determine the role of this variant in disease. Therefore, it has been classified as a Variant of Uncertain Significance. Algorithms developed to predict the effect of missense changes on protein structure and function are either unavailable or do not agree on the potential impact of this missense change (SIFT: "Deleterious"; PolyPhen-2: "Possibly Damaging"; Align-GVGD: "Class C15"). ClinVar contains an entry for this variant (Variation ID: 1384353). This variant has not been reported in the literature in individuals affected with ATRN-related conditions. This variant is not present in population databases (gnomAD no frequency). This sequence change replaces leucine, which is neutral and non-polar, with phenylalanine, which is neutral and non-polar, at codon 635 of the ATRN protein (p.Leu635Phe).

NM_139321.3(ATRN):c.1903C>T (p.Leu635Phe)

Gene: ATRN (attractin; plus strand). Cytogenetic location: 20p13.
Variant type: single nucleotide variant.
Coding change: c.1903C>T on transcript NM_139321.3 (MANE Select); coding-DNA position 1903, C replaced by T.
Protein change: p.Leu635Phe; replaces leucine 635 with phenylalanine.
Molecular consequence: missense variant.
Genome position (GRCh38, 1-based): chr20:3,572,762, C>T. VCF-style: chr20-3572762-C-T. GRCh37 (hg19) VCF-style: chr20-3553409-C-T.
Other names: c.1555C>T, p.Leu519Phe (NM_001207047.3); c.1903C>T, p.Leu635Phe (NM_001323332.2, NM_139322.4); short protein forms L635F, L519F.
Identifiers: ClinVar variation 1384353 (VCV001384353.6), dbSNP rs2146242342, ClinGen allele CA408092653.